The following is an entry in ClinVar:

NM_018444.4(PDP1):c.1346G>A (p.Gly449Asp)

Gene: PDP1 (pyruvate dehydrogenase phosphatase catalytic subunit 1; plus strand). Cytogenetic location: 8q22.1.
Variant type: single nucleotide variant.
Coding change: c.1346G>A on transcript NM_018444.4 (MANE Select); coding-DNA position 1346, G replaced by A.
Protein change: p.Gly449Asp; replaces glycine 449 with aspartic acid.
Molecular consequence: missense variant.
Genome position (GRCh38, 1-based): chr8:93,923,405, G>A. VCF-style: chr8-93923405-G-A. GRCh37 (hg19) VCF-style: chr8-94935633-G-A.
Other names: c.1421G>A, p.Gly474Asp (NM_001161779.2, NM_001161780.2); c.1346G>A, p.Gly449Asp (NM_001161781.2); short protein forms G449D, G474D.
Identifiers: ClinVar variation 2122097 (VCV002122097.4), dbSNP rs2537062560, ClinGen allele CA371696737.

ClinVar aggregate classification (germline): Uncertain significance (1 of 4 stars; one submission).

Allele frequency attached by ClinVar (database versions not stated): gnomAD exomes below 0.00001.
gnomAD v4.1: 2 of 1,607,810 alleles (0.00012%); highest among the groups gnomAD compares: Non-Finnish European, 0.00017%; no homozygotes.

Submission:

Labcorp Genetics (formerly Invitae), Labcorp
Classification: Uncertain significance. Last evaluated: 2022-04-18. Review status: criteria provided, single submitter. Criteria: Invitae Variant Classification Sherloc (09022015). Collection method: clinical testing. Allele origin: germline.
Comment: In summary, the available evidence is currently insufficient to determine the role of this variant in disease. Therefore, it has been classified as a Variant of Uncertain Significance. Algorithms developed to predict the effect of missense changes on protein structure and function are either unavailable or do not agree on the potential impact of this missense change (SIFT: "Tolerated"; PolyPhen-2: "Possibly Damaging"; Align-GVGD: "Class C0"). This variant has not been reported in the literature in individuals affected with PDP1-related conditions. This variant is not present in population databases (gnomAD no frequency). This sequence change replaces glycine, which is neutral and non-polar, with aspartic acid, which is acidic and polar, at codon 449 of the PDP1 protein (p.Gly449Asp).